The following is an entry in ClinVar:

NM_001243925.2(MAPKAPK3):c.333G>T (p.Lys111Asn)

Gene: MAPKAPK3 (MAPK activated protein kinase 3; plus strand). Cytogenetic location: 3p21.2.
Variant type: single nucleotide variant.
Coding change: c.333G>T on transcript NM_001243925.2 (MANE Select); coding-DNA position 333, G replaced by T.
Protein change: p.Lys111Asn; replaces lysine 111 with asparagine.
Molecular consequence: missense variant.
Genome position (GRCh38, 1-based): chr3:50,640,479, G>T. VCF-style: chr3-50640479-G-T. GRCh37 (hg19) VCF-style: chr3-50677910-G-T.
Other names: c.333G>T, p.Lys111Asn (NM_001243926.2, NM_004635.5); short protein forms K111N.
Identifiers: ClinVar variation 3006553 (VCV003006553.3), dbSNP rs558117363, ClinGen allele CA352926159.
Genomic context (GRCh38, chr3:50,640,479, plus strand): 5'-TTCTGGCGGCCCCCATATTGTCTGCATCCTGGATGTGTATGAGAACATGCACCATGGCAA[G>T]CGCTGTCTCCTCATCATCATGGAATGGTATGCTGGCCTGCCCTGTCTCCACACCCCCTCG-3'
Protein context (NP_001230854.1, residues 101-121): LDVYENMHHG[Lys111Asn]RCLLIIMECM

ClinVar aggregate classification (germline): Uncertain significance (1 of 4 stars; one submission).

Submission:

Labcorp Genetics (formerly Invitae), Labcorp
Classification: Uncertain significance. Last evaluated: 2023-02-23. Review status: criteria provided, single submitter. Criteria: Invitae Variant Classification Sherloc (09022015). Collection method: clinical testing. Allele origin: germline.
Comment: In summary, the available evidence is currently insufficient to determine the role of this variant in disease. Therefore, it has been classified as a Variant of Uncertain Significance. An algorithm developed to predict the effect of missense changes on protein structure and function (PolyPhen-2) suggests that this variant is likely to be tolerated. This variant has not been reported in the literature in individuals affected with MAPKAPK3-related conditions. This variant is not present in population databases (gnomAD no frequency). This sequence change replaces lysine, which is basic and polar, with asparagine, which is neutral and polar, at codon 111 of the MAPKAPK3 protein (p.Lys111Asn).